The following is an entry in ClinVar:

NM_004187.5(KDM5C):c.3926C>T (p.Ala1309Val)

Gene: KDM5C (lysine demethylase 5C; minus strand). Cytogenetic location: Xp11.22.
Variant type: single nucleotide variant.
Coding change: c.3926C>T on transcript NM_004187.5 (MANE Select); coding-DNA position 3926, C replaced by T.
Protein change: p.Ala1309Val; replaces alanine 1309 with valine.
Molecular consequence: missense variant. On other transcripts: non-coding transcript variant (3).
Genome position (GRCh38, 1-based): chrX:53,194,251, G>A on the plus strand (C>T on the coding strand, the complement: KDM5C is on the minus strand). VCF-style: chrX-53194251-G-A. GRCh37 (hg19) VCF-style: chrX-53223433-G-A.
Other names: c.3725C>T, p.Ala1242Val (NM_001146702.2); c.3923C>T, p.Ala1308Val (NM_001282622.3, NM_001353979.2, NM_001353982.2); c.3926C>T, p.Ala1309Val (NM_001353978.3, NM_001353981.2, NM_001353984.2); short protein forms A1242V, A1308V, A1309V.
Identifiers: ClinVar variation 3624486 (VCV003624486.2).

ClinVar aggregate classification (germline): Uncertain significance (1 of 4 stars; one submission).

Conditions:
Spastic paraplegia. Identifiers: MedGen C0037772, HP:0001258.

Submission:

Labcorp Genetics (formerly Invitae), Labcorp
Classification: Uncertain significance for Spastic paraplegia. Last evaluated: 2024-04-10. Review status: criteria provided, single submitter. Criteria: Invitae Variant Classification Sherloc (09022015). Collection method: clinical testing. Allele origin: germline.
Comment: This sequence change replaces alanine, which is neutral and non-polar, with valine, which is neutral and non-polar, at codon 1309 of the KDM5C protein (p.Ala1309Val). This variant is not present in population databases (gnomAD no frequency). This variant has not been reported in the literature in individuals affected with KDM5C-related conditions. Advanced modeling of protein sequence and biophysical properties (such as structural, functional, and spatial information, amino acid conservation, physicochemical variation, residue mobility, and thermodynamic stability) has been performed at Invitae for this missense variant, however the output from this modeling did not meet the statistical confidence thresholds required to predict the impact of this variant on KDM5C protein function. In summary, the available evidence is currently insufficient to determine the role of this variant in disease. Therefore, it has been classified as a Variant of Uncertain Significance.